The following is an entry in ClinVar:

ClinVar aggregate classification (germline): Uncertain significance (1 of 4 stars; one submission).

Allele frequency attached by ClinVar (database versions not stated): TOPMed below 0.00001.

Submission:

Labcorp Genetics (formerly Invitae), Labcorp
Classification: Uncertain significance. Last evaluated: 2022-10-28. Review status: criteria provided, single submitter. Criteria: Invitae Variant Classification Sherloc (09022015). Collection method: clinical testing. Allele origin: germline.
Comment: This sequence change replaces serine, which is neutral and polar, with proline, which is neutral and non-polar, at codon 3539 of the LRP2 protein (p.Ser3539Pro). This variant is not present in population databases (gnomAD no frequency). This variant has not been reported in the literature in individuals affected with LRP2-related conditions. Advanced modeling of protein sequence and biophysical properties (such as structural, functional, and spatial information, amino acid conservation, physicochemical variation, residue mobility, and thermodynamic stability) performed at Invitae indicates that this missense variant is not expected to disrupt LRP2 protein function. In summary, the available evidence is currently insufficient to determine the role of this variant in disease. Therefore, it has been classified as a Variant of Uncertain Significance.

NM_004525.3(LRP2):c.10615T>C (p.Ser3539Pro)

Gene: LRP2 (LDL receptor related protein 2; minus strand). Cytogenetic location: 2q31.1.
Variant type: single nucleotide variant.
Coding change: c.10615T>C on transcript NM_004525.3 (MANE Select); coding-DNA position 10615, T replaced by C.
Protein change: p.Ser3539Pro; replaces serine 3539 with proline.
Molecular consequence: missense variant.
Genome position (GRCh38, 1-based): chr2:169,175,346, A>G on the plus strand (T>C on the coding strand, the complement: LRP2 is on the minus strand). VCF-style: chr2-169175346-A-G. GRCh37 (hg19) VCF-style: chr2-170031856-A-G.
Other names: short protein forms S3539P.
Identifiers: ClinVar variation 1910207 (VCV001910207.2), dbSNP rs1687153523, ClinGen allele CA349146656.